The following is an entry in ClinVar:

NM_000642.3(AGL):c.3137_3143del (p.Gln1046fs)

Gene: AGL (amylo-alpha-1,6-glucosidase and 4-alpha-glucanotransferase; plus strand). Cytogenetic location: 1p21.2.
Variant type: Deletion.
Coding change: c.3137_3143del on transcript NM_000642.3 (MANE Select); coding-DNA positions 3137 to 3143, 7 bases deleted (AACTGTG; older notation c.3137_3143delAACTGTG).
Protein change: p.Gln1046fs; shifts the reading frame from glutamine 1046.
Molecular consequence: frameshift variant.
Genome position (GRCh38, 1-based): chr1:99,892,485-99,892,491, AACTGTG deleted. VCF-style (leftmost placement, unchanged base first): chr1-99892484-CAACTGTG-C. GRCh37 (hg19) VCF-style: chr1-100358040-CAACTGTG-C.
Other names: c.3137_3143del, p.Gln1046fs (NM_000028.3, NM_000643.3, NM_000644.3 and 1 more transcripts); c.3089_3095del, p.Gln1030fs (NM_000646.3); c.3116_3122del, p.Gln1039fs (NM_001425326.1); c.2936_2942del, p.Gln979fs (NM_001425327.1); c.2933_2939del, p.Gln978fs (NM_001425328.1); c.2798_2804del, p.Gln933fs (NM_001425329.1); c.2759_2765del, p.Gln920fs (NM_001425332.1); short protein forms Q1030fs, Q1039fs, Q1046fs, Q920fs, Q933fs, Q978fs, Q979fs.
Identifiers: ClinVar variation 5014989 (VCV005014989.1).

ClinVar aggregate classification (germline): Pathogenic (1 of 4 stars; one submission).

Conditions:
Glycogen storage disease type III (GSD3). Also called: FORBES DISEASE; Cori disease. Identifiers: Orphanet 366, MedGen C0017922, MONDO:0009291, OMIM 232400.

Submission:

Myriad Genetics, Inc.
Classification: Pathogenic for Glycogen storage disease type III. Last evaluated: 2025-09-17. Review status: criteria provided, single submitter. Criteria: Myriad Autosomal Dominant, Autosomal Recessive and X-Linked Classification Criteria (2023). Collection method: clinical testing. Allele origin: unknown.
Comment: NM_000642.2(AGL):c.3137_3143del7(Q1046Lfs*3) is expected to be pathogenic in the context of glycogen storage disease type III. This variant is predicted to lead to an abnormal or absent protein product due to the creation of a premature termination codon in AGL, a gene where loss-of-function variants are known to be pathogenic. Please note: this variant was assessed in the context of healthy population screening.